The following is an entry in ClinVar:

NM_017617.5(NOTCH1):c.2778C>G (p.Ile926Met)

Gene: NOTCH1 (notch receptor 1; minus strand). Cytogenetic location: 9q34.3.
Variant type: single nucleotide variant.
Coding change: c.2778C>G on transcript NM_017617.5 (MANE Select); coding-DNA position 2778, C replaced by G.
Protein change: p.Ile926Met; replaces isoleucine 926 with methionine.
Molecular consequence: missense variant.
Genome position (GRCh38, 1-based): chr9:136,509,924, G>C on the plus strand (C>G on the coding strand, the complement: NOTCH1 is on the minus strand). VCF-style: chr9-136509924-G-C. GRCh37 (hg19) VCF-style: chr9-139404376-G-C.
Other names: short protein forms I926M.
Identifiers: ClinVar variation 1795873 (VCV001795873.2), dbSNP rs2133351271, ClinGen allele CA375553857.

ClinVar aggregate classification (germline): Uncertain significance (1 of 4 stars; one submission).

Conditions:
Familial thoracic aortic aneurysm and aortic dissection (TAAD). Also called: Thoracic aortic aneurysms and dissections. Identifiers: Orphanet 91387, MedGen C4707243, MONDO:0019625.

Submission:

Ambry Genetics
Classification: Uncertain significance for Familial thoracic aortic aneurysm and aortic dissection. Last evaluated: 2020-12-22. Review status: criteria provided, single submitter. Criteria: Ambry Variant Classification Scheme 2023. Collection method: clinical testing. Allele origin: germline.
Comment: The p.I926M variant (also known as c.2778C>G), located in coding exon 18 of the NOTCH1 gene, results from a C to G substitution at nucleotide position 2778. The isoleucine at codon 926 is replaced by methionine, an amino acid with highly similar properties. This amino acid position is poorly conserved in available vertebrate species. In addition, this alteration is predicted to be tolerated by in silico analysis. Since supporting evidence is limited at this time, the clinical significance of this alteration remains unclear.